The following is an entry in ClinVar:

NM_002470.4(MYH3):c.76G>A (p.Glu26Lys)

Gene: MYH3 (myosin heavy chain 3; minus strand). Cytogenetic location: 17p13.1.
Variant type: single nucleotide variant.
Coding change: c.76G>A on transcript NM_002470.4 (MANE Select); coding-DNA position 76, G replaced by A.
Protein change: p.Glu26Lys; replaces glutamic acid 26 with lysine.
Molecular consequence: missense variant.
Genome position (GRCh38, 1-based): chr17:10,654,989, C>T on the plus strand (G>A on the coding strand, the complement: MYH3 is on the minus strand). VCF-style: chr17-10654989-C-T. GRCh37 (hg19) VCF-style: chr17-10558306-C-T.
Other names: c.76G>A (NM_002470.3); short protein forms E26K.
Identifiers: ClinVar variation 1511012 (VCV001511012.9), dbSNP rs759121005, ClinGen allele CA8393416.
Genomic context (GRCh38, chr17:10,654,989, plus strand): 5'-CTTCCTTTGAGTCCACCACGAAGCAATACGTCTTGGCATCAAAGGGCTGGTTCTGAGCCT[C>T]GATCCTCTCCTTTTCTGACTTCCGGAGGAAAGGAGCAGCTATGCCGAACACTTCCATTTC-3'
Protein context (NP_002461.2, residues 16-36): FLRKSEKERI[Glu26Lys]AQNQPFDAKT

ClinVar aggregate classification (germline): Uncertain significance. Review status: criteria provided, multiple submitters, no conflicts (2 of 4 stars). 3 submissions from 3 submitters: Uncertain significance (3). Last evaluated 2025-10-23.

Conditions:
Inborn genetic diseases. Identifiers: MedGen C0950123, MeSH D030342.

Allele frequency attached by ClinVar (database versions not stated): ExAC 0.00002; gnomAD 0.00003; gnomAD exomes 0.00003 and 0.00006; TOPMed 0.00003.
gnomAD v4.1: 83 of 1,614,066 alleles (0.0051%); highest among the groups gnomAD compares: African/African-American, 0.0093%; no homozygotes.

Submissions (3):

Labcorp Genetics (formerly Invitae), Labcorp
Classification: Uncertain significance. Last evaluated: 2025-10-23. Review status: criteria provided, single submitter. Criteria: Invitae Variant Classification Sherloc (09022015). Collection method: clinical testing. Allele origin: germline.
Comment: This sequence change replaces glutamic acid, which is acidic and polar, with lysine, which is basic and polar, at codon 26 of the MYH3 protein (p.Glu26Lys). This variant is present in population databases (rs759121005, gnomAD 0.007%). This variant has not been reported in the literature in individuals affected with MYH3-related conditions. ClinVar contains an entry for this variant (Variation ID: 1511012). Invitae Evidence Modeling of protein sequence and biophysical properties (such as structural, functional, and spatial information, amino acid conservation, physicochemical variation, residue mobility, and thermodynamic stability) indicates that this missense variant is not expected to disrupt MYH3 protein function with a negative predictive value of 95%. In summary, the available evidence is currently insufficient to determine the role of this variant in disease. Therefore, it has been classified as a Variant of Uncertain Significance.

Ambry Genetics
Classification: Uncertain significance for Inborn genetic diseases. Last evaluated: 2024-07-26. Review status: criteria provided, single submitter. Criteria: Ambry Variant Classification Scheme 2023. Collection method: clinical testing. Allele origin: germline.

Revvity Omics, Revvity
Classification: Uncertain significance. Last evaluated: 2023-01-13. Review status: criteria provided, single submitter. Criteria: ACMG Guidelines, 2015. Collection method: clinical testing. Allele origin: germline.